The following is an entry in ClinVar:

NM_002582.4(PARN):c.540_554+8dup

Gene: PARN (poly(A)-specific ribonuclease; minus strand). Cytogenetic location: 16p13.12.
Variant type: Duplication.
Coding change: c.540_554+8dup on transcript NM_002582.4 (MANE Select); coding-DNA position 540 through 8 bases into the intron after coding-DNA position 554, 23 bases duplicated (TATTGACCAAGTGGTGTAAGTTC).
Molecular consequence: splice donor variant.
Genome position (GRCh38, 1-based): chr16:14,610,636-14,610,658, GAACTTACACCACTTGGTCAATA duplicated on the plus strand (TATTGACCAAGTGGTGTAAGTTC on the coding strand, the reverse complement: PARN is on the minus strand). VCF-style (leftmost placement, unchanged base first): chr16-14610635-G-GGAACTTACACCACTTGGTCAATA. GRCh37 (hg19) VCF-style: chr16-14704492-G-GGAACTTACACCACTTGGTCAATA.
Other names: c.357_371+8dup (NM_001134477.3); c.402_416+8dup (NM_001242992.2).
Identifiers: ClinVar variation 1056371 (VCV001056371.9), dbSNP rs755696071, ClinGen allele CA7912391.

ClinVar aggregate classification (germline): Uncertain significance (1 of 4 stars; one submission).

Conditions:
Dyskeratosis congenita, autosomal recessive 6 (DKCB6). Identifiers: MedGen C4225356, MONDO:0014600, OMIM 616353.
Pulmonary fibrosis and/or bone marrow failure, Telomere-related, 4. Also called: PULMONARY FIBROSIS AND/OR BONE MARROW FAILURE SYNDROME, TELOMERE-RELATED, 4. Identifiers: Orphanet 2032, MedGen C4225347, MONDO:0014612, OMIM 616371.

Allele frequency attached by ClinVar (database versions not stated): ExAC 0.00001; gnomAD exomes 0.00001.

Submission:

Labcorp Genetics (formerly Invitae), Labcorp
Classification: Uncertain significance for Dyskeratosis congenita, autosomal recessive 6; Pulmonary fibrosis and/or bone marrow failure, Telomere-related, 4. Last evaluated: 2025-09-06. Review status: criteria provided, single submitter. Criteria: Invitae Variant Classification Sherloc (09022015). Collection method: clinical testing. Allele origin: germline.
Comment: This sequence change falls in intron 7 of the PARN gene. It does not directly change the encoded amino acid sequence of the PARN protein. It affects a nucleotide within the consensus splice site. This variant is present in population databases (rs755696071, gnomAD 0.002%). This variant has not been reported in the literature in individuals affected with PARN-related conditions. ClinVar contains an entry for this variant (Variation ID: 1056371). Variants that disrupt the consensus splice site are a relatively common cause of aberrant splicing (PMID: 17576681, 9536098). In summary, the available evidence is currently insufficient to determine the role of this variant in disease. Therefore, it has been classified as a Variant of Uncertain Significance.

Literature cited by the submitters: PubMed 17576681; PubMed 9536098.